The following is an entry in ClinVar:

ClinVar aggregate classification (germline): Pathogenic/Likely pathogenic. Review status: criteria provided, multiple submitters, no conflicts (2 of 4 stars). 4 submissions from 4 submitters: Pathogenic (2); Likely pathogenic (1). 1 of the submissions does not count toward it. Last evaluated 2025-02-16.

Conditions:
Joubert syndrome. Also called: JOUBERT-BOLTSHAUSER SYNDROME; Familial aplasia of the vermis. Identifiers: Orphanet 475, MedGen C5979921, MONDO:0018772.
Meckel-Gruber syndrome. Also called: Dysencephalia splachnocystica; DYSENCEPHALIA SPLANCHNOCYSTICA; GRUBER SYNDROME. Identifiers: Orphanet 564, MedGen C0265215, MONDO:0018921.
Joubert syndrome 9 (JBTS9). Identifiers: Orphanet 2318, MedGen C2676788, MONDO:0012849, OMIM 612285.
Meckel syndrome, type 6. Identifiers: Orphanet 564, MedGen C2676790, MONDO:0012848, OMIM 612284.
Retinitis pigmentosa 93. Identifiers: MedGen C5676970, MONDO:0030797, OMIM 619845.
COACH syndrome 2. Identifiers: MedGen C5436837, MONDO:0030859, OMIM 619111.
CC2D2A-related disorder. Also called: CC2D2A-related disorders; CC2D2A-related condition. Identifiers: MedGen CN239313.

Submissions (4):

Laboratory of Genetics, Children's Clinical University Hospital Latvia
Classification: Pathogenic. Last evaluated: 2025-02-16. Review status: criteria provided, single submitter. Criteria: ACMG Guidelines, 2015. Collection method: clinical testing. Allele origin: germline. Affected: yes.

Fulgent Genetics
Classification: Likely pathogenic for Meckel syndrome, type 6; Joubert syndrome 9; COACH syndrome 2; Retinitis pigmentosa 93. Last evaluated: 2024-05-09. Review status: criteria provided, single submitter. Criteria: ACMG Guidelines, 2015. Collection method: clinical testing. Allele origin: germline.

Labcorp Genetics (formerly Invitae), Labcorp
Classification: Pathogenic for Joubert syndrome; Meckel-Gruber syndrome. Last evaluated: 2023-02-07. Review status: criteria provided, single submitter. Criteria: Invitae Variant Classification Sherloc (09022015). Collection method: clinical testing. Allele origin: germline.
Comment: This variant has not been reported in the literature in individuals affected with CC2D2A-related conditions. ClinVar contains an entry for this variant (Variation ID: 640187). For these reasons, this variant has been classified as Pathogenic. This sequence change creates a premature translational stop signal (p.Ala1362Glyfs*4) in the CC2D2A gene. It is expected to result in an absent or disrupted protein product. Loss-of-function variants in CC2D2A are known to be pathogenic (PMID: 19777577). This variant is present in population databases (no rsID available, gnomAD 0.007%).

PreventionGenetics, part of Exact Sciences
Classification: Likely pathogenic for CC2D2A-related condition. Last evaluated: 2024-07-16. Review status: no assertion criteria provided. Collection method: clinical testing. Allele origin: germline. Not counted in ClinVar's aggregate classification.
Comment: The CC2D2A c.4084dupG variant is predicted to result in a frameshift and premature protein termination (p.Ala1362Glyfs*4). To our knowledge, this variant has not been reported in individuals with CC2D2A-related disorders in the literature. This variant is reported in 0.0065% of alleles in individuals of European (Non-Finnish) descent in gnomAD. Loss-of-function variants in CC2D2A are expected to be pathogenic. This variant is interpreted as likely pathogenic.

Literature cited by the submitters: PubMed 19777577 (cited by Labcorp Genetics (formerly Invitae), Labcorp).

NM_001378615.1(CC2D2A):c.4084dup (p.Ala1362fs)

Genes: CC2D2A (coiled-coil and C2 domain containing 2A; plus strand), FBXL5 (F-box and leucine rich repeat protein 5; minus strand). Cytogenetic location: 4p15.32.
Variant type: Duplication.
Coding change: c.4084dup on transcript NM_001378615.1 (MANE Select); coding-DNA position 4084, one base duplicated (G; older notation c.4084dupG).
Protein change: p.Ala1362fs; shifts the reading frame from alanine 1362.
Molecular consequence: frameshift variant.
Genome position (GRCh38, 1-based): chr4:15,587,834, G duplicated; the last of 2 consecutive G bases (chr4:15,587,833-15,587,834); duplicating either gives the same sequence. VCF-style (leftmost placement, unchanged base first): chr4-15587832-T-TG. GRCh37 (hg19) VCF-style: chr4-15589455-T-TG.
Other names: c.3937dup, p.Ala1313fs (NM_001378617.1); c.4084dupG (NM_001080522.2); c.4084dup, p.Ala1362fs (NM_001080522.2); short protein forms A1362fs, A1313fs.
Identifiers: ClinVar variation 640187 (VCV000640187.10), dbSNP rs1313708855, ClinGen allele CA549898638.